The following is an entry in ClinVar:

NM_005210.4(CRYGB):c.312A>G (p.Ser104=)

Genes: CRYGB (crystallin gamma B; minus strand), LOC100507443 (uncharacterized LOC100507443; plus strand). Cytogenetic location: 2q33.3.
Variant type: single nucleotide variant.
Coding change: c.312A>G on transcript NM_005210.4 (MANE Select); coding-DNA position 312, A replaced by G.
Protein change: p.Ser104=; no amino-acid change (serine 104 retained).
Molecular consequence: synonymous variant.
Genome position (GRCh38, 1-based): chr2:208,142,854, T>C on the plus strand (A>G on the coding strand, the complement: CRYGB is on the minus strand). VCF-style: chr2-208142854-T-C. GRCh37 (hg19) VCF-style: chr2-209007578-T-C.
Identifiers: ClinVar variation 474172 (VCV000474172.11), dbSNP rs200750137, ClinGen allele CA2078077.

ClinVar aggregate classification (germline): Benign. Review status: criteria provided, single submitter (1 of 4 stars). 2 submissions from 2 submitters: Benign (1). 1 of the submissions does not count toward it. Last evaluated 2024-12-18.

Conditions:
Cataract 39 multiple types. Also called: Cataract 39, multiple types, autosomal dominant. Identifiers: Orphanet 91492, MedGen C3808800, MONDO:0014075, OMIM 615188.
CRYGB-related disorder. Also called: CRYGB-related condition.

Allele frequency attached by ClinVar (database versions not stated): gnomAD 0.00001 and 0.00078; TOPMed 0.00016; gnomAD exomes 0.00163 and 0.00344; ExAC 0.00399; 1000 Genomes Project 30x 0.00484; 1000 Genomes Project 0.00499.

Submissions (2):

Labcorp Genetics (formerly Invitae), Labcorp
Classification: Benign for Cataract 39 multiple types. Last evaluated: 2024-12-18. Review status: criteria provided, single submitter. Criteria: Invitae Variant Classification Sherloc (09022015). Collection method: clinical testing. Allele origin: germline.

PreventionGenetics, part of Exact Sciences
Classification: Benign for CRYGB-related condition. Last evaluated: 2019-03-05. Review status: no assertion criteria provided. Collection method: clinical testing. Allele origin: germline. Not counted in ClinVar's aggregate classification.
Comment: This variant is classified as benign based on ACMG/AMP sequence variant interpretation guidelines (Richards et al. 2015 PMID: 25741868, with internal and published modifications).